The following is an entry in ClinVar:

NM_004082.5(DCTN1):c.2768C>T (p.Pro923Leu)

Gene: DCTN1 (dynactin subunit 1; minus strand). Cytogenetic location: 2p13.1.
Variant type: single nucleotide variant.
Coding change: c.2768C>T on transcript NM_004082.5 (MANE Select); coding-DNA position 2768, C replaced by T.
Protein change: p.Pro923Leu; replaces proline 923 with leucine.
Molecular consequence: missense variant. On other transcripts: non-coding transcript variant (1).
Genome position (GRCh38, 1-based): chr2:74,366,011, G>A on the plus strand (C>T on the coding strand, the complement: DCTN1 is on the minus strand). VCF-style: chr2-74366011-G-A. GRCh37 (hg19) VCF-style: chr2-74593138-G-A.
Other names: c.2708C>T, p.Pro903Leu (NM_001135040.3); c.2366C>T, p.Pro789Leu (NM_001135041.3, NM_023019.4); c.2657C>T, p.Pro886Leu (NM_001190836.2); c.2747C>T, p.Pro916Leu (NM_001190837.2); c.2717C>T, p.Pro906Leu (NM_001378991.1); c.2699C>T, p.Pro900Leu (NM_001378992.1); short protein forms P906L, P916L, P886L, P903L, P789L, P900L, P923L.
Identifiers: ClinVar variation 2041221 (VCV002041221.7), dbSNP rs752851562, ClinGen allele CA1721720.

ClinVar aggregate classification (germline): Uncertain significance. Review status: criteria provided, multiple submitters, no conflicts (2 of 4 stars). 3 submissions from 3 submitters: Uncertain significance (3). Last evaluated 2026-05-21.

Conditions:
Inborn genetic diseases. Identifiers: MedGen C0950123, MeSH D030342.
Perry syndrome. Also called: PARKINSONISM WITH ALVEOLAR HYPOVENTILATION AND MENTAL DEPRESSION. Identifiers: Orphanet 178509, MedGen C1868594, MONDO:0008201, OMIM 168605.
Neuronopathy, distal hereditary motor, type 7B. Also called: HMN VIIB; NEURONOPATHY, DISTAL HEREDITARY MOTOR, AUTOSOMAL DOMINANT 14; NEURONOPATHY, DISTAL HEREDITARY MOTOR, HARDING TYPE VIIB; NEUROPATHY, DISTAL HEREDITARY MOTOR, HARDING TYPE VIIB; NEUROPATHY, DISTAL HEREDITARY MOTOR, WITH VOCAL CORD PARALYSIS, HARDING TYPE VIIB; Distal Hereditary Motor Neuronopathy Type 7B (dHMN7B). Identifiers: Orphanet 139589, MedGen C1843315, MONDO:0011879, OMIM 607641.
Amyotrophic lateral sclerosis type 1 (ALS1). Also called: AMYOTROPHIC LATERAL SCLEROSIS 1, FAMILIAL. Identifiers: Orphanet 803, MedGen C1862939, MONDO:0007103, OMIM 105400.
DCTN1-related disorder. Also called: DCTN1-related condition.

Allele frequency attached by ClinVar (database versions not stated): ExAC 0.00001; gnomAD 0.00001; TOPMed 0.00001.
gnomAD v4.1: 18 of 1,614,096 alleles (0.0011%); highest among the groups gnomAD compares: Middle Eastern, 0.016%; no homozygotes.

Submissions (3):

PreventionGenetics, part of Exact Sciences
Classification: Uncertain significance for DCTN1-related condition. Last evaluated: 2026-05-21. Review status: criteria provided, single submitter. Criteria: ACMG Guidelines, 2015. Collection method: clinical testing. Allele origin: germline.
Comment: The DCTN1 c.2768C>T variant is predicted to result in the amino acid substitution p.Pro923Leu. To our knowledge, this variant has not been reported in the literature. This variant is reported in 0.0029% of alleles in individuals of Latino descent in gnomAD. At this time, the clinical significance of this variant is uncertain due to the absence of conclusive functional and genetic evidence.

Ambry Genetics
Classification: Uncertain significance for Inborn genetic diseases. Last evaluated: 2024-12-25. Review status: criteria provided, single submitter. Criteria: Ambry Variant Classification Scheme 2023. Collection method: clinical testing. Allele origin: germline.

Labcorp Genetics (formerly Invitae), Labcorp
Classification: Uncertain significance for Amyotrophic lateral sclerosis type 1; Neuronopathy, distal hereditary motor, type 7B; Perry syndrome. Last evaluated: 2022-10-10. Review status: criteria provided, single submitter. Criteria: Invitae Variant Classification Sherloc (09022015). Collection method: clinical testing. Allele origin: germline.
Comment: In summary, the available evidence is currently insufficient to determine the role of this variant in disease. Therefore, it has been classified as a Variant of Uncertain Significance. Advanced modeling of protein sequence and biophysical properties (such as structural, functional, and spatial information, amino acid conservation, physicochemical variation, residue mobility, and thermodynamic stability) performed at Invitae indicates that this missense variant is expected to disrupt DCTN1 protein function. This variant has not been reported in the literature in individuals affected with DCTN1-related conditions. This variant is present in population databases (rs752851562, gnomAD 0.003%). This sequence change replaces proline, which is neutral and non-polar, with leucine, which is neutral and non-polar, at codon 923 of the DCTN1 protein (p.Pro923Leu).